The following is an entry in ClinVar:

ClinVar aggregate classification (germline): Uncertain significance (1 of 4 stars; one submission).

gnomAD v4.1: 1 of 1,070,972 alleles (0.000093%); highest among the groups gnomAD compares: African/African-American, 0.0017%; no homozygotes.

Submission:

Labcorp Genetics (formerly Invitae), Labcorp
Classification: Uncertain significance. Last evaluated: 2024-09-17. Review status: criteria provided, single submitter. Criteria: Invitae Variant Classification Sherloc (09022015). Collection method: clinical testing. Allele origin: germline.
Comment: This sequence change replaces glycine, which is neutral and non-polar, with alanine, which is neutral and non-polar, at codon 954 of the GRIN2D protein (p.Gly954Ala). The frequency data for this variant in the population databases is considered unreliable, as metrics indicate insufficient coverage at this position in the gnomAD database. This variant has not been reported in the literature in individuals affected with GRIN2D-related conditions. ClinVar contains an entry for this variant (Variation ID: 1492219). Invitae Evidence Modeling of protein sequence and biophysical properties (such as structural, functional, and spatial information, amino acid conservation, physicochemical variation, residue mobility, and thermodynamic stability) indicates that this missense variant is not expected to disrupt GRIN2D protein function with a negative predictive value of 95%. In summary, the available evidence is currently insufficient to determine the role of this variant in disease. Therefore, it has been classified as a Variant of Uncertain Significance.

NM_000836.4(GRIN2D):c.2861G>C (p.Gly954Ala)

Gene: GRIN2D (glutamate ionotropic receptor NMDA type subunit 2D; plus strand). Cytogenetic location: 19q13.33.
Variant type: single nucleotide variant.
Coding change: c.2861G>C on transcript NM_000836.4 (MANE Select); coding-DNA position 2861, G replaced by C.
Protein change: p.Gly954Ala; replaces glycine 954 with alanine.
Molecular consequence: missense variant.
Genome position (GRCh38, 1-based): chr19:48,442,787, G>C. VCF-style: chr19-48442787-G-C. GRCh37 (hg19) VCF-style: chr19-48946044-G-C.
Other names: short protein forms G954A.
Identifiers: ClinVar variation 1492219 (VCV001492219.6), dbSNP rs1234739113, ClinGen allele CA406674016.